The following is an entry in ClinVar:

ClinVar aggregate classification (germline): Conflicting classifications of pathogenicity. Review status: criteria provided, conflicting classifications (1 of 4 stars). 3 submissions from 3 submitters: Likely pathogenic (1); Uncertain significance (1). 1 of the submissions does not count toward it. Last evaluated 2024-02-23.

Submissions (3):

Labcorp Genetics (formerly Invitae), Labcorp
Classification: Uncertain significance. Last evaluated: 2024-02-23. Review status: criteria provided, single submitter. Criteria: Invitae Variant Classification Sherloc (09022015). Collection method: clinical testing. Allele origin: germline.
Comment: This sequence change replaces leucine, which is neutral and non-polar, with phenylalanine, which is neutral and non-polar, at codon 223 of the MTFMT protein (p.Leu223Phe). This variant is present in population databases (rs372732702, gnomAD 0.2%). This variant has not been reported in the literature in individuals affected with MTFMT-related conditions. ClinVar contains an entry for this variant (Variation ID: 418337). Advanced modeling of protein sequence and biophysical properties (such as structural, functional, and spatial information, amino acid conservation, physicochemical variation, residue mobility, and thermodynamic stability) has been performed at Invitae for this missense variant, however the output from this modeling did not meet the statistical confidence thresholds required to predict the impact of this variant on MTFMT protein function. In summary, the available evidence is currently insufficient to determine the role of this variant in disease. Therefore, it has been classified as a Variant of Uncertain Significance.

GeneDx
Classification: Likely pathogenic. Last evaluated: 2014-07-07. Review status: criteria provided, single submitter. Criteria: GeneDx Variant Classification (06012015). Collection method: clinical testing. Allele origin: germline. Affected: yes.
Comment: A novel L223F variant that is likely pathogenic was identified in the MTFMT gene. It has not been published as a pathogenic variant, nor has it been reported as a benign polymorphism to our knowledge. The L223F variant is a conservative amino acid substitution, which is not likely to impact secondary protein structure as these residues share similar properties. This substitution occurs at a position that is conserved across species. In silico analysis predicts this variant is probably damaging to the protein structure/function. Therefore, this variant is a strong candidate for a pathogenic variant, however the possibility that it is a benign variant cannot be excluded.

Department of Pathology and Laboratory Medicine, Sinai Health System
Classification: Uncertain significance. Review status: no assertion criteria provided. Collection method: clinical testing. Allele origin: unknown. Affected: yes. Study: The Canadian Open Genetics Repository (COGR). Not counted in ClinVar's aggregate classification.
Comment: The MTFMT p.Leu223Phe variant was not identified in the literature nor was it identified in the Cosmic, MutDB or LOVD 3.0 databases. The variant was identified in dbSNP (ID: rs372732702) and ClinVar (reported as likely pathogenic by GeneDx). The variant was identified in control databases in 30 of 232006 chromosomes at a frequency of 0.000129 (Genome Aggregation Database Feb 27, 2017). The variant was observed in the following populations: Ashkenazi Jewish in 18 of 9516 chromosomes (freq: 0.001892), Latino in 10 of 31840 chromosomes (freq: 0.000314) and European (non-Finnish) in 2 of 106386 chromosomes (freq: 0.000019), but was not observed in the African, East Asian, European (Finnish), Other, and South Asian populations. The p.Leu223 residue is conserved in mammals but not in more distantly related organisms and computational analyses (PolyPhen-2, SIFT, AlignGVGD, BLOSUM, and MutationTaster) provide inconsistent predictions regarding the impact to the protein; this information is not very predictive of pathogenicity. In summary, based on the above information the clinical significance of this variant cannot be determined with certainty at this time. This variant is classified as a variant of uncertain significance.

NM_139242.4(MTFMT):c.669G>T (p.Leu223Phe)

Gene: MTFMT (mitochondrial methionyl-tRNA formyltransferase; minus strand). Cytogenetic location: 15q22.31.
Variant type: single nucleotide variant.
Coding change: c.669G>T on transcript NM_139242.4 (MANE Select); coding-DNA position 669, G replaced by T.
Protein change: p.Leu223Phe; replaces leucine 223 with phenylalanine.
Molecular consequence: missense variant.
Genome position (GRCh38, 1-based): chr15:65,020,249, C>A on the plus strand (G>T on the coding strand, the complement: MTFMT is on the minus strand). VCF-style: chr15-65020249-C-A. GRCh37 (hg19) VCF-style: chr15-65312587-C-A.
Other names: short protein forms L223F.
Identifiers: ClinVar variation 418337 (VCV000418337.7), dbSNP rs372732702, ClinGen allele CA7613280.